The following is an entry in ClinVar:

ClinVar aggregate classification (germline): Pathogenic (0 of 4 stars; one submission).

Conditions:
Familial cardiomyopathy. Identifiers: MedGen C0264789, MONDO:0005217.

Submission:

Evolutionary and Medical Genetics Laboratory,  Centre for Cellular and Molecular Biology
Classification: Pathogenic. Review status: no assertion criteria provided. Collection method: not provided. Allele origin: unknown.
Comment: Missense mutation/Non-synonymous
ClinVar note: Converted during submission from pathogenic to Pathogenic.

NM_000257.4(MYH7):c.2366del (p.Gln789fs)

Genes: MYH7 (myosin heavy chain 7; minus strand), LOC126861898 (BRD4-independent group 4 enhancer GRCh37_chr14:23893609-23894808; plus strand). Cytogenetic location: 14q11.2.
Variant type: Deletion.
Coding change: c.2366del on transcript NM_000257.4 (MANE Select); coding-DNA position 2366, one base deleted (A; older notation c.2366delA).
Protein change: p.Gln789fs; shifts the reading frame from glutamine 789.
Molecular consequence: frameshift variant.
Genome position (GRCh38, 1-based): chr14:23,425,339, T deleted on the plus strand (A on the coding strand, the reverse complement: MYH7 is on the minus strand). VCF-style (leftmost placement, unchanged base first): chr14-23425338-CT-C. GRCh37 (hg19) VCF-style: chr14-23894547-CT-C.
Other names: Q789R; short protein forms Q789fs.
Identifiers: ClinVar variation 132911 (VCV000132911.2), dbSNP rs606231337, ClinGen allele CA012249.